The following is an entry in ClinVar:

NM_001283009.2(RTEL1):c.3268G>A (p.Asp1090Asn)

Genes: RTEL1 (regulator of telomere elongation helicase 1; plus strand), RTEL1-TNFRSF6B (RTEL1-TNFRSF6B readthrough (NMD candidate); plus strand). Cytogenetic location: 20q13.33.
Variant type: single nucleotide variant.
Coding change: c.3268G>A on transcript NM_001283009.2 (MANE Select); coding-DNA position 3268, G replaced by A.
Protein change: p.Asp1090Asn; replaces aspartic acid 1090 with asparagine.
Molecular consequence: missense variant. On other transcripts: non-coding transcript variant (1).
Genome position (GRCh38, 1-based): chr20:63,694,899, G>A. VCF-style: chr20-63694899-G-A. GRCh37 (hg19) VCF-style: chr20-62326252-G-A.
Other names: c.2599G>A, p.Asp867Asn (NM_001283010.1); c.3268G>A, p.Asp1090Asn (NM_016434.4); c.3340G>A, p.Asp1114Asn (NM_032957.5); c.3340G>A (NM_032957.4); short protein forms D1090N, D1114N, D867N.
Identifiers: ClinVar variation 1692630 (VCV001692630.4), dbSNP rs761447586, ClinGen allele CA9965929.

ClinVar aggregate classification (germline): Uncertain significance. Review status: criteria provided, multiple submitters, no conflicts (2 of 4 stars). 3 submissions from 3 submitters: Uncertain significance (3). Last evaluated 2025-01-29.

Conditions:
Inborn genetic diseases. Identifiers: MedGen C0950123, MeSH D030342.
Pulmonary fibrosis and/or bone marrow failure, Telomere-related, 3. Also called: PULMONARY FIBROSIS AND/OR BONE MARROW FAILURE SYNDROME, TELOMERE-RELATED, 3. Identifiers: Orphanet 2032, MedGen C4225346, MONDO:0014613, OMIM 616373.
Dyskeratosis congenita, autosomal recessive 5 (DKCB5). Identifiers: MedGen C3554656, MONDO:0014076, OMIM 615190.
Dyskeratosis congenita. Identifiers: Orphanet 1775, MedGen C0265965, MONDO:0015780.

Allele frequency attached by ClinVar (database versions not stated): ExAC 0.00001; gnomAD exomes 0.00001.
gnomAD v4.1: 14 of 1,612,630 alleles (0.00087%); highest among the groups gnomAD compares: Middle Eastern, 0.017%; no homozygotes.

Submissions (3):

Labcorp Genetics (formerly Invitae), Labcorp
Classification: Uncertain significance for Dyskeratosis congenita, autosomal recessive 5; Pulmonary fibrosis and/or bone marrow failure, Telomere-related, 3. Last evaluated: 2025-01-29. Review status: criteria provided, single submitter. Criteria: Invitae Variant Classification Sherloc (09022015). Collection method: clinical testing. Allele origin: germline.
Comment: This sequence change replaces aspartic acid, which is acidic and polar, with asparagine, which is neutral and polar, at codon 1090 of the RTEL1 protein (p.Asp1090Asn). This variant is present in population databases (rs761447586, gnomAD 0.01%). This variant has not been reported in the literature in individuals affected with RTEL1-related conditions. ClinVar contains an entry for this variant (Variation ID: 1692630). An algorithm developed to predict the effect of missense changes on protein structure and function (PolyPhen-2) suggests that this variant is likely to be tolerated. In summary, the available evidence is currently insufficient to determine the role of this variant in disease. Therefore, it has been classified as a Variant of Uncertain Significance.

Ambry Genetics
Classification: Uncertain significance for Inborn genetic diseases. Last evaluated: 2024-12-23. Review status: criteria provided, single submitter. Criteria: Ambry Variant Classification Scheme 2023. Collection method: clinical testing. Allele origin: germline.

Sema4
Classification: Uncertain significance for Dyskeratosis congenita. Last evaluated: 2021-07-23. Review status: criteria provided, single submitter. Criteria: Sema4 Curation Guidelines. Collection method: curation. Allele origin: germline.
Comment: The RTEL1 c.3268G>A (p.D1090N) variant has not been reported in the literature to our knowledge. It was observed in 3/30588 chromosomes of the South Asian subpopulation in the large and broad cohorts of the Genome Aggregation Database (PMID: 32461654). The variant has not been reported in ClinVar. Functional studies have not been performed and in silico predictions of the variant's effect on protein function are inconclusive. The evidence is insufficient to meet ACMG/AMP criteria for classifying the variant as benign or pathogenic. Thus, the clinical significance of this variant is currently uncertain.